The following is an entry in ClinVar:

ClinVar aggregate classification (germline): Uncertain significance. Review status: criteria provided, multiple submitters, no conflicts (2 of 4 stars). 2 submissions from 2 submitters: Uncertain significance (2). Last evaluated 2025-10-13.

gnomAD v4.1: 17 of 1,614,016 alleles (0.0011%); highest among the groups gnomAD compares: African/African-American, 0.02%; no homozygotes.

Submissions (2):

Labcorp Genetics (formerly Invitae), Labcorp
Classification: Uncertain significance. Last evaluated: 2025-10-13. Review status: criteria provided, single submitter. Criteria: Invitae Variant Classification Sherloc (09022015). Collection method: clinical testing. Allele origin: germline.
Comment: This sequence change replaces serine, which is neutral and polar, with alanine, which is neutral and non-polar, at codon 349 of the KRT71 protein (p.Ser349Ala). This variant is present in population databases (rs755139338, gnomAD 0.03%). This variant has not been reported in the literature in individuals affected with KRT71-related conditions. ClinVar contains an entry for this variant (Variation ID: 3625312). An algorithm developed to predict the effect of missense changes on protein structure and function outputs the following: PolyPhen-2: "Benign". The alanine amino acid residue is found in multiple mammalian species, which suggests that this missense change does not adversely affect protein function. In summary, the available evidence is currently insufficient to determine the role of this variant in disease. Therefore, it has been classified as a Variant of Uncertain Significance.

Ambry Genetics
Classification: Uncertain significance. Last evaluated: 2025-08-11. Review status: criteria provided, single submitter. Criteria: Ambry Variant Classification Scheme 2023. Collection method: clinical testing. Allele origin: germline.

NM_033448.3(KRT71):c.1045T>G (p.Ser349Ala)

Gene: KRT71 (keratin 71; minus strand). Cytogenetic location: 12q13.13.
Variant type: single nucleotide variant.
Coding change: c.1045T>G on transcript NM_033448.3 (MANE Select); coding-DNA position 1045, T replaced by G.
Protein change: p.Ser349Ala; replaces serine 349 with alanine.
Molecular consequence: missense variant.
Genome position (GRCh38, 1-based): chr12:52,547,916, A>C on the plus strand (T>G on the coding strand, the complement: KRT71 is on the minus strand). VCF-style: chr12-52547916-A-C. GRCh37 (hg19) VCF-style: chr12-52941700-A-C.
Other names: c.1045T>G (NM_033448.2); short protein forms S349A.
Identifiers: ClinVar variation 3625312 (VCV003625312.3).